The following is an entry in ClinVar:

NM_002386.4(MC1R):c.426C>G (p.Arg142=)

Gene: MC1R (melanocortin 1 receptor; plus strand). Cytogenetic location: 16q24.3.
Variant type: single nucleotide variant.
Coding change: c.426C>G on transcript NM_002386.4 (MANE Select); coding-DNA position 426, C replaced by G.
Protein change: p.Arg142=; no amino-acid change (arginine 142 retained).
Molecular consequence: synonymous variant.
Genome position (GRCh38, 1-based): chr16:89,919,684, C>G. VCF-style: chr16-89919684-C-G. GRCh37 (hg19) VCF-style: chr16-89986092-C-G.
Other names: c.426C>G (NM_002386.3).
Identifiers: ClinVar variation 2731636 (VCV002731636.4), dbSNP rs750618617, ClinGen allele CA8255590.
Genomic context (GRCh38, chr16:89,919,684, plus strand): 5'-GATCACCTGCAGCTCCATGCTGTCCAGCCTCTGCTTCCTGGGCGCCATCGCCGTGGACCG[C>G]TACATCTCCATCTTCTACGCACTGCGCTACCACAGCATCGTGACCCTGCCGCGGGCGCGG-3'
Protein context (NP_002377.4, residues 132-152): LCFLGAIAVD[Arg142=]YISIFYALRY

ClinVar aggregate classification (germline): Conflicting classifications of pathogenicity. Review status: criteria provided, conflicting classifications (1 of 4 stars). 2 submissions from 2 submitters: Uncertain significance (1); Likely benign (1). Last evaluated 2025-04-11.

Conditions:
Melanoma, cutaneous malignant, susceptibility to, 5. Also called: Cutaneous malignant melanoma 5. Identifiers: Orphanet 618, MedGen C2751295, MONDO:0013133, OMIM 613099.

Allele frequency attached by ClinVar (database versions not stated): ExAC 0.00001; gnomAD 0.00001; TOPMed 0.00001; gnomAD exomes 0.00002.
gnomAD v4.1: 23 of 1,606,246 alleles (0.0014%); highest among the groups gnomAD compares: Non-Finnish European, 0.0019%; no homozygotes.

Submissions (2):

Ambry Genetics
Classification: Likely benign. Last evaluated: 2025-04-11. Review status: criteria provided, single submitter. Criteria: Ambry Variant Classification Scheme 2023. Collection method: clinical testing. Allele origin: germline.

Labcorp Genetics (formerly Invitae), Labcorp
Classification: Uncertain significance for Melanoma, cutaneous malignant, susceptibility to, 5. Last evaluated: 2023-11-17. Review status: criteria provided, single submitter. Criteria: Invitae Variant Classification Sherloc (09022015). Collection method: clinical testing. Allele origin: germline.
Comment: This sequence change affects codon 142 of the MC1R mRNA. It is a 'silent' change, meaning that it does not change the encoded amino acid sequence of the MC1R protein. This variant is present in population databases (rs750618617, gnomAD 0.0009%). This variant has not been reported in the literature in individuals affected with MC1R-related conditions. Experimental studies and prediction algorithms are not available or were not evaluated, and the effect of this variant on mRNA splicing is currently unknown. In summary, the available evidence is currently insufficient to determine the role of this variant in disease. Therefore, it has been classified as a Variant of Uncertain Significance.